The following is an entry in ClinVar:

NM_001754.5(RUNX1):c.611G>A (p.Arg204Gln)

Genes: RUNX1 (RUNX family transcription factor 1; minus strand), RUNX1-AS1 (RUNX1 antisense RNA 1; plus strand). Cytogenetic location: 21q22.12.
Variant type: single nucleotide variant.
Coding change: c.611G>A on transcript NM_001754.5 (MANE Select); coding-DNA position 611, G replaced by A.
Protein change: p.Arg204Gln; replaces arginine 204 with glutamine.
Molecular consequence: missense variant.
Genome position (GRCh38, 1-based): chr21:34,859,476, C>T on the plus strand (G>A on the coding strand, the complement: RUNX1 is on the minus strand). VCF-style: chr21-34859476-C-T. GRCh37 (hg19) VCF-style: chr21-36231773-C-T.
Other names: NM_001754.5(RUNX1):c.611G>A; c.530G>A, p.Arg177Gln (NM_001001890.3, NM_001122607.2); c.611G>A (NM_001754.4); short protein forms R204Q, R177Q.
Identifiers: ClinVar variation 561253 (VCV000561253.53), dbSNP rs1569061762, ClinGen allele CA410207938.

ClinVar aggregate classification (germline): Pathogenic. Review status: reviewed by expert panel (3 of 4 stars). 10 submissions from 10 submitters: Pathogenic (1). 9 of the submissions do not count toward it. Last evaluated 2026-05-27.

Conditions:
Inborn genetic diseases. Identifiers: MedGen C0950123, MeSH D030342.
Hereditary thrombocytopenia and hematological cancer predisposition syndrome associated with RUNX1. Also called: Familial thrombocytopenia with propensity to acute myelogenous leukemia; PLATELET DISORDER, ASPIRIN-LIKE; RUNX1 Familial Platelet Disorder with Associated Myeloid Malignancies; Familial Platelet Disorder with Propensity to Acute Myelogenous Leukemia. Identifiers: Orphanet 71290, MedGen C1832388, MeSH C563324, MONDO:0100083, OMIM 601399.
Abnormal bleeding. Also called: Bleeding diathesis. Identifiers: MedGen C1458140, HP:0001892.
Thrombocytopenia. Identifiers: MedGen C0040034, MeSH D013921, MONDO:0002049, HP:0001873.
RUNX1-related disorder. Also called: RUNX1-related condition.
Hereditary thrombocytopenia and hematologic cancer predisposition syndrome. Identifiers: Orphanet 71290, MedGen CN281654, MONDO:0011071.

Allele frequency attached by ClinVar (database versions not stated): gnomAD exomes below 0.00001; TOPMed below 0.00001; gnomAD 0.00001.
gnomAD v4.1: 2 of 1,610,278 alleles (0.00012%); highest among the groups gnomAD compares: Admixed American, 0.0017%; no homozygotes.

Submissions (10):

ClinGen Myeloid Malignancy Variant Curation Expert Panel
Classification: Pathogenic for Hereditary thrombocytopenia and hematologic cancer predisposition syndrome. Last evaluated: 2026-05-27. Review status: reviewed by expert panel. Criteria: ClinGen MyeloMalig ACMG Specifications V3.1. Collection method: curation. Allele origin: germline. Inheritance: Autosomal dominant inheritance.
Comment: NM_001754.4:c.611G>A (p.Arg204Gln) is a missense variant which affects one of the hotspot residues (R204) within the RHD (PM1_Strong). This variant is completely absent from all population databases with at least 20x coverage for RUNX1 (PM2_Supporting) and has a REVEL score of >0.75 (0.958) (PP3). This variant has been reported in three probands meeting at least one of the RUNX1-phenotypic criteria (PS4_ Moderate; PMID: 19357396, PMID: 27112265, PMID: 26316320, PMID: 27479822) and was found to co-segregate with disease in multiple affected family members, with seven meioses observed across 3 families (PP1_Strong; PMID: 19357396, PMID: 27112265, PMID: 26316320, PMID: 27479822). In summary, this variant meets criteria to be classified as pathogenic. ACMG/AMP criteria applied, as specified by the ClinGen Myeloid Malignancy Variant Curation Expert Panel for RUNX1: PM1_Strong, PM2_Supporting, PP3, PS4_Moderate, PP1_Strong.

Genomic Medicine Center of Excellence, King Faisal Specialist Hospital and Research Centre
Classification: Pathogenic for Hereditary thrombocytopenia and hematological cancer predisposition syndrome associated with RUNX1. Last evaluated: 2025-09-10. Review status: criteria provided, single submitter. Criteria: ACMG Guidelines, 2015. Collection method: clinical testing. Allele origin: germline. Not counted in ClinVar's aggregate classification.

Ambry Genetics
Classification: Likely pathogenic for Inborn genetic diseases. Last evaluated: 2025-04-10. Review status: criteria provided, single submitter. Criteria: Ambry Variant Classification Scheme 2023. Collection method: clinical testing. Allele origin: germline. Not counted in ClinVar's aggregate classification.
Comment: The p.R204Q variant (also known as c.611G>A), located in coding exon 5 of the RUNX1 gene, results from a G to A substitution at nucleotide position 611. The arginine at codon 204 is replaced by glutamine, an amino acid with highly similar properties. This variant (sometimes referred to as c.530G>A p.R177Q in published studies using an alternate transcript) was reported in individuals with features consistent with RUNX1 familial platelet disorder with associated myeloid malignancies (Preudhomme C et al. Blood, 2009 May;113:5583-7; Antony-Debr&eacute; I et al. Leukemia, 2016 Apr;30:999-1002; Latger-Cannard V et al. Orphanet J Rare Dis, 2016 Apr;11:49; Johnson B et al. Haematologica, 2016 Oct;101:1170-1179; Brown AL et al. Blood Adv, 2020 Mar;4:1131-1144; Fenwarth L et al. Hemasphere, 2021 Apr;5:e552; Douglas SPM et al. Sci Rep, 2022 Jun;12:10670; Liu C et al. EJHaem, 2023 Feb;4:145-152). This variant segregated with disease in at least two families (Latger-Cannard V et al. Orphanet J Rare Dis, 2016 Apr;11:49; Brown AL et al. Blood Adv, 2020 Mar;4:1131-1144; Fenwarth L et al. Hemasphere, 2021 Apr;5:e552). In addition, in one functional study, this variant demonstrated reduced transcriptional activity (Li Y et al. J Clin Invest, 2021 Jun;131:). This variant is considered to be rare based on population cohorts in the Genome Aggregation Database (gnomAD). This amino acid position is highly conserved in available vertebrate species. In addition, this alteration is predicted to be deleterious by in silico analysis. Based on the majority of available evidence to date, this variant is likely to be pathogenic.

Labcorp Genetics (formerly Invitae), Labcorp
Classification: Pathogenic for Hereditary thrombocytopenia and hematological cancer predisposition syndrome associated with RUNX1. Last evaluated: 2025-02-10. Review status: criteria provided, single submitter. Criteria: Invitae Variant Classification Sherloc (09022015). Collection method: clinical testing. Allele origin: germline. Not counted in ClinVar's aggregate classification.
Comment: This sequence change replaces arginine, which is basic and polar, with glutamine, which is neutral and polar, at codon 204 of the RUNX1 protein (p.Arg204Gln). This variant is not present in population databases (gnomAD no frequency). This missense change has been observed in individual(s) with thrombocytopenia or acute myeloid leukemia (PMID: 19357396, 27112265, 32208489, 32581362, 32935436). It has also been observed to segregate with disease in related individuals. This variant is also known as p.Arg177Gln. ClinVar contains an entry for this variant (Variation ID: 561253). An algorithm developed to predict the effect of missense changes on protein structure and function (PolyPhen-2) suggests that this variant is likely to be disruptive. Experimental studies have shown that this missense change affects RUNX1 function (PMID: 10068652, 11830488, 12002768, 22012064). For these reasons, this variant has been classified as Pathogenic.

GeneDx
Classification: Pathogenic. Last evaluated: 2024-06-02. Review status: criteria provided, single submitter. Criteria: GeneDx Variant Classification Process June 2021. Collection method: clinical testing. Allele origin: germline. Affected: yes. Not counted in ClinVar's aggregate classification.
Comment: Observed in the germline of individuals with thrombocytopenia, myelodysplastic syndrome, acute myeloid leukemia, and/or acute lymphocytic leukemia in published literature (PMID: 27112265, 31130284, 32935436, 35739278); Published functional studies demonstrate a damaging effect: reduced DNA binding and transactivation (PMID: 10068652, 12393679); Not observed at significant frequency in large population cohorts (gnomAD); Also known as p.R177Q; This variant is associated with the following publications: (PMID: 32782381, 31291480, 34166225, 32581362, 32935436, 31130284, 27112265, 19357396, 32208489, 26316320, 33778416, 34407276, 12393679, 27479822, 35739278, 36819173, 34958450, 37680325, Nitschke2023[article], 10068652)

CeGaT Center for Human Genetics Tuebingen
Classification: Pathogenic. Last evaluated: 2021-05-01. Review status: criteria provided, single submitter. Criteria: CeGaT Center For Human Genetics Tuebingen Variant Classification Criteria Version 2. Collection method: clinical testing. Allele origin: germline. Affected: yes. Observed: 1 variant allele. Not counted in ClinVar's aggregate classification.

Blueprint Genetics
Classification: Pathogenic for RUNX1-related disorders. Last evaluated: 2019-09-26. Review status: criteria provided, single submitter. Criteria: ACMG Guidelines, 2015. Collection method: clinical testing. Allele origin: germline. Affected: yes. Observed: 1 variant allele. Not counted in ClinVar's aggregate classification.

PreventionGenetics, part of Exact Sciences
Classification: Pathogenic. Last evaluated: 2018-04-13. Review status: criteria provided, single submitter. Criteria: ACMG Guidelines, 2015. Collection method: clinical testing. Allele origin: germline. Not counted in ClinVar's aggregate classification.

Birmingham Platelet Group; University of Birmingham
Classification: Likely pathogenic for Thrombocytopenia; Abnormal bleeding. Last evaluated: 2020-05-01. Review status: no assertion criteria provided. Collection method: research. Allele origin: germline. Affected: yes. Not counted in ClinVar's aggregate classification.

NIHR Bioresource Rare Diseases, University of Cambridge
Classification: Likely pathogenic for Thrombocytopenia. Review status: no assertion criteria provided. Collection method: research. Allele origin: unknown. Affected: yes. Observed: 1 variant allele. Not counted in ClinVar's aggregate classification.

Literature cited by the submitters: PubMed 27112265 (cited by 3 submitters); PubMed 26316320 (cited by ClinGen Myeloid Malignancy Variant Curation Expert Panel and Ambry Genetics); PubMed 27479822 (cited by ClinGen Myeloid Malignancy Variant Curation Expert Panel and Ambry Genetics); PubMed 19357396 (cited by 3 submitters); PubMed 32208489 (cited by Ambry Genetics and Labcorp Genetics (formerly Invitae), Labcorp); PubMed 32935436 (cited by Ambry Genetics and Labcorp Genetics (formerly Invitae), Labcorp); PubMed 33778416 (cited by Ambry Genetics); PubMed 34166225 (cited by Ambry Genetics); PubMed 35739278 (cited by Ambry Genetics); PubMed 36819173 (cited by Ambry Genetics); PubMed 32581362 (cited by Labcorp Genetics (formerly Invitae), Labcorp and NIHR Bioresource Rare Diseases, University of Cambridge); PubMed 10068652 (cited by Labcorp Genetics (formerly Invitae), Labcorp); PubMed 11830488 (cited by Labcorp Genetics (formerly Invitae), Labcorp); PubMed 12002768 (cited by Labcorp Genetics (formerly Invitae), Labcorp); PubMed 22012064 (cited by Labcorp Genetics (formerly Invitae), Labcorp).